The following is an entry in ClinVar:

ClinVar aggregate classification (germline): Uncertain significance (1 of 4 stars; one submission).

Conditions:
ABL1-related disorder. Also called: ABL1-related condition.

Submission:

PreventionGenetics, part of Exact Sciences
Classification: Uncertain significance for ABL1-related condition. Last evaluated: 2025-07-09. Review status: criteria provided, single submitter. Criteria: ACMG Guidelines, 2015. Collection method: clinical testing. Allele origin: germline.
Comment: The ABL1 c.2663C>T variant is predicted to result in the amino acid substitution p.Pro888Leu. To our knowledge, this variant has not been reported in the literature or in a large population database (gnomAD), indicating this variant is rare. At this time, the clinical significance of this variant is uncertain due to the absence of conclusive functional and genetic evidence.

NM_005157.6(ABL1):c.2606C>T (p.Pro869Leu)

Gene: ABL1 (ABL proto-oncogene 1, non-receptor tyrosine kinase; plus strand). Cytogenetic location: 9q34.12.
Variant type: single nucleotide variant.
Coding change: c.2606C>T on transcript NM_005157.6 (MANE Select); coding-DNA position 2606, C replaced by T.
Protein change: p.Pro869Leu; replaces proline 869 with leucine.
Molecular consequence: missense variant.
Genome position (GRCh38, 1-based): chr9:130,884,896, C>T. VCF-style: chr9-130884896-C-T. GRCh37 (hg19) VCF-style: chr9-133760283-C-T.
Other names: c.2663C>T, p.Pro888Leu (NM_007313.3); short protein forms P869L, P888L.
Identifiers: ClinVar variation 4999730 (VCV004999730.1).